The following is an entry in ClinVar:

NM_015910.7(WDPCP):c.1705C>G (p.Gln569Glu)

Gene: WDPCP (WD repeat containing planar cell polarity effector; minus strand). Cytogenetic location: 2p15.
Variant type: single nucleotide variant.
Coding change: c.1705C>G on transcript NM_015910.7 (MANE Select); coding-DNA position 1705, C replaced by G.
Protein change: p.Gln569Glu; replaces glutamine 569 with glutamic acid.
Molecular consequence: missense variant. On other transcripts: non-coding transcript variant (3).
Genome position (GRCh38, 1-based): chr2:63,378,429, G>C on the plus strand (C>G on the coding strand, the complement: WDPCP is on the minus strand). VCF-style: chr2-63378429-G-C. GRCh37 (hg19) VCF-style: chr2-63605564-G-C.
Other names: c.1228C>G, p.Gln410Glu (NM_001042692.3); c.1633C>G, p.Gln545Glu (NM_001354044.2); c.1705C>G, p.Gln569Glu (NM_001354045.2); c.1705C>G (NM_015910.5); short protein forms Q410E, Q545E, Q569E.
Identifiers: ClinVar variation 1517368 (VCV001517368.7), dbSNP rs1026359002, ClinGen allele CA49230937.

ClinVar aggregate classification (germline): Uncertain significance. Review status: criteria provided, single submitter (1 of 4 stars). 2 submissions from 2 submitters: Uncertain significance (1). 1 of the submissions does not count toward it. Last evaluated 2025-06-12.

Conditions:
WDPCP-related disorder. Also called: WDPCP-related condition.
Bardet-Biedl syndrome (BBS). Identifiers: Orphanet 110, MedGen C0752166, MONDO:0015229.

Allele frequency attached by ClinVar (database versions not stated): gnomAD 0.00001; gnomAD exomes 0.00001.
gnomAD v4.1: 5 of 1,613,058 alleles (0.00031%); highest among the groups gnomAD compares: African/African-American, 0.0027%; no homozygotes.

Submissions (2):

Labcorp Genetics (formerly Invitae), Labcorp
Classification: Uncertain significance for Bardet-Biedl syndrome. Last evaluated: 2025-06-12. Review status: criteria provided, single submitter. Criteria: Invitae Variant Classification Sherloc (09022015). Collection method: clinical testing. Allele origin: germline.
Comment: This sequence change replaces glutamine, which is neutral and polar, with glutamic acid, which is acidic and polar, at codon 569 of the WDPCP protein (p.Gln569Glu). This variant is not present in population databases (gnomAD no frequency). This variant has not been reported in the literature in individuals affected with WDPCP-related conditions. ClinVar contains an entry for this variant (Variation ID: 1517368). Invitae Evidence Modeling of protein sequence and biophysical properties (such as structural, functional, and spatial information, amino acid conservation, physicochemical variation, residue mobility, and thermodynamic stability) indicates that this missense variant is not expected to disrupt WDPCP protein function with a negative predictive value of 80%. In summary, the available evidence is currently insufficient to determine the role of this variant in disease. Therefore, it has been classified as a Variant of Uncertain Significance.

PreventionGenetics, part of Exact Sciences
Classification: Uncertain significance for WDPCP-related condition. Last evaluated: 2024-09-24. Review status: no assertion criteria provided. Collection method: clinical testing. Allele origin: germline. Not counted in ClinVar's aggregate classification.
Comment: The WDPCP c.1705C>G variant is predicted to result in the amino acid substitution p.Gln569Glu. To our knowledge, this variant has not been reported in the literature or in a large population database, indicating this variant is rare. At this time, the clinical significance of this variant is uncertain due to the absence of conclusive functional and genetic evidence.